The following is an entry in ClinVar:

ClinVar aggregate classification (germline): Benign/Likely benign. Review status: criteria provided, multiple submitters, no conflicts (2 of 4 stars). 4 submissions from 4 submitters: Benign (1); Likely benign (2). 1 of the submissions does not count toward it. Last evaluated 2025-07-20.

Conditions:
ADNP-related disorder. Also called: ADNP-related condition.

Allele frequency attached by ClinVar (database versions not stated): ExAC 0.00005; gnomAD exomes 0.00006 and 0.00017; gnomAD 0.00012 and 0.00014; TOPMed 0.00012; ESP Exome Variant Server 0.00015.
gnomAD v4.1: 269 of 1,614,064 alleles (0.017%); highest among the groups gnomAD compares: Non-Finnish European, 0.022%; no homozygotes.

Submissions (4):

Labcorp Genetics (formerly Invitae), Labcorp
Classification: Benign. Last evaluated: 2025-07-20. Review status: criteria provided, single submitter. Criteria: Invitae Variant Classification Sherloc (09022015). Collection method: clinical testing. Allele origin: germline.

Blueprint Genetics
Classification: Likely benign. Last evaluated: 2024-11-06. Review status: criteria provided, single submitter. Criteria: ACMG Guidelines, 2015. Collection method: clinical testing. Allele origin: germline.

GeneDx
Classification: Likely benign. Last evaluated: 2020-12-04. Review status: criteria provided, single submitter. Criteria: GeneDx Variant Classification Process June 2021. Collection method: clinical testing. Allele origin: germline. Affected: yes.

PreventionGenetics, part of Exact Sciences
Classification: Likely benign for ADNP-related condition. Last evaluated: 2022-08-19. Review status: no assertion criteria provided. Collection method: clinical testing. Allele origin: germline. Not counted in ClinVar's aggregate classification.
Comment: This variant is classified as likely benign based on ACMG/AMP sequence variant interpretation guidelines (Richards et al. 2015 PMID: 25741868, with internal and published modifications).

NM_001282531.3(ADNP):c.2725G>A (p.Glu909Lys)

Gene: ADNP (activity dependent neuroprotector homeobox; minus strand). Cytogenetic location: 20q13.13.
Variant type: single nucleotide variant.
Coding change: c.2725G>A on transcript NM_001282531.3 (MANE Select); coding-DNA position 2725, G replaced by A.
Protein change: p.Glu909Lys; replaces glutamic acid 909 with lysine.
Molecular consequence: missense variant.
Genome position (GRCh38, 1-based): chr20:50,891,989, C>T on the plus strand (G>A on the coding strand, the complement: ADNP is on the minus strand). VCF-style: chr20-50891989-C-T. GRCh37 (hg19) VCF-style: chr20-49508526-C-T.
Other names: c.2725G>A (NM_001282531.2); c.2725G>A, p.Glu909Lys (NM_001282532.2, NM_001347511.2, NM_015339.5 and 1 more transcripts); short protein forms E909K.
Identifiers: ClinVar variation 1193365 (VCV001193365.10), dbSNP rs200749133, ClinGen allele CA9908533.